The following is an entry in ClinVar:

NM_005732.4(RAD50):c.2387A>G (p.Glu796Gly)

Gene: RAD50 (RAD50 double strand break repair protein; plus strand). Cytogenetic location: 5q31.1.
Variant type: single nucleotide variant.
Coding change: c.2387A>G on transcript NM_005732.4 (MANE Select); coding-DNA position 2387, A replaced by G.
Protein change: p.Glu796Gly; replaces glutamic acid 796 with glycine.
Molecular consequence: missense variant.
Genome position (GRCh38, 1-based): chr5:132,603,479, A>G. VCF-style: chr5-132603479-A-G. GRCh37 (hg19) VCF-style: chr5-131939171-A-G.
Other names: short protein forms E796G.
Identifiers: ClinVar variation 3714427 (VCV003714427.2).
Genomic context (GRCh38, chr5:132,603,479, plus strand): 5'-GTACAATAATGCCTGAAGAAGAAAGTGCCAAAGTATGCCTGACAGATGTTACAATTATGG[A>G]GAGGTTCCAGGTAAGTTTATTGTAGTTTAAGGCAGAATAAAACTTGTTCCATGGTGGCTT-3'
Protein context (NP_005723.2, residues 786-806): KVCLTDVTIM[Glu796Gly]RFQMELKDVE

ClinVar aggregate classification (germline): Uncertain significance (1 of 4 stars; one submission).

Conditions:
Hereditary cancer-predisposing syndrome. Also called: Hereditary neoplastic syndrome; Neoplastic Syndromes, Hereditary; Hereditary Cancer Syndrome; Tumor predisposition. Identifiers: Orphanet 140162, MedGen C0027672, MeSH D009386, MONDO:0015356.

Submission:

Labcorp Genetics (formerly Invitae), Labcorp
Classification: Uncertain significance for Hereditary cancer-predisposing syndrome. Last evaluated: 2024-09-23. Review status: criteria provided, single submitter. Criteria: Invitae Variant Classification Sherloc (09022015). Collection method: clinical testing. Allele origin: germline.
Comment: This sequence change replaces glutamic acid, which is acidic and polar, with glycine, which is neutral and non-polar, at codon 796 of the RAD50 protein (p.Glu796Gly). This variant is not present in population databases (gnomAD no frequency). This variant has not been reported in the literature in individuals affected with RAD50-related conditions. Invitae Evidence Modeling of protein sequence and biophysical properties (such as structural, functional, and spatial information, amino acid conservation, physicochemical variation, residue mobility, and thermodynamic stability) has been performed for this missense variant. However, the output from this modeling did not meet the statistical confidence thresholds required to predict the impact of this variant on RAD50 protein function. In summary, the available evidence is currently insufficient to determine the role of this variant in disease. Therefore, it has been classified as a Variant of Uncertain Significance.